The following is an entry in ClinVar:

NM_001013703.4(EIF2AK4):c.662G>T (p.Arg221Ile)

Gene: EIF2AK4 (eukaryotic translation initiation factor 2 alpha kinase 4; plus strand). Cytogenetic location: 15q15.1.
Variant type: single nucleotide variant.
Coding change: c.662G>T on transcript NM_001013703.4 (MANE Select); coding-DNA position 662, G replaced by T.
Protein change: p.Arg221Ile; replaces arginine 221 with isoleucine.
Molecular consequence: missense variant.
Genome position (GRCh38, 1-based): chr15:39,955,687, G>T. VCF-style: chr15-39955687-G-T. GRCh37 (hg19) VCF-style: chr15-40247888-G-T.
Other names: short protein forms R221I.
Identifiers: ClinVar variation 3393686 (VCV003393686.2).

ClinVar aggregate classification (germline): Uncertain significance (1 of 4 stars; one submission).

Submission:

GeneDx
Classification: Uncertain significance. Last evaluated: 2026-08-22. Review status: criteria provided, single submitter. Criteria: GeneDx Variant Classification Process June 2021. Collection method: clinical testing. Allele origin: germline.
Comment: Not observed at significant frequency in large population cohorts (gnomAD); In silico analysis suggests that this missense variant does not alter protein structure/function; Has not been previously published as pathogenic or benign to our knowledge